The following is an entry in ClinVar:

NM_020693.4(DSCAML1):c.5282C>A (p.Thr1761Asn)

Gene: DSCAML1 (DS cell adhesion molecule like 1; minus strand). Cytogenetic location: 11q23.3.
Variant type: single nucleotide variant.
Coding change: c.5282C>A on transcript NM_020693.4 (MANE Select); coding-DNA position 5282, C replaced by A.
Protein change: p.Thr1761Asn; replaces threonine 1761 with asparagine.
Molecular consequence: missense variant.
Genome position (GRCh38, 1-based): chr11:117,431,626, G>T on the plus strand (C>A on the coding strand, the complement: DSCAML1 is on the minus strand). VCF-style: chr11-117431626-G-T. GRCh37 (hg19) VCF-style: chr11-117302342-G-T.
Other names: short protein forms T1761N.
Identifiers: ClinVar variation 2788302 (VCV002788302.3), dbSNP rs1032544802, ClinGen allele CA229396840.

ClinVar aggregate classification (germline): Uncertain significance (1 of 4 stars; one submission).

Allele frequency attached by ClinVar (database versions not stated): TOPMed below 0.00001.

Submission:

Labcorp Genetics (formerly Invitae), Labcorp
Classification: Uncertain significance. Last evaluated: 2024-11-18. Review status: criteria provided, single submitter. Criteria: Invitae Variant Classification Sherloc (09022015). Collection method: clinical testing. Allele origin: germline.
Comment: This sequence change replaces threonine, which is neutral and polar, with asparagine, which is neutral and polar, at codon 1821 of the DSCAML1 protein (p.Thr1821Asn). This variant is not present in population databases (gnomAD no frequency). This variant has not been reported in the literature in individuals affected with DSCAML1-related conditions. ClinVar contains an entry for this variant (Variation ID: 2788302). An algorithm developed to predict the effect of missense changes on protein structure and function (PolyPhen-2) suggests that this variant is likely to be disruptive. In summary, the available evidence is currently insufficient to determine the role of this variant in disease. Therefore, it has been classified as a Variant of Uncertain Significance.